The following is an entry in ClinVar:

NM_002242.4(KCNJ13):c.913C>T (p.Arg305Ter)

Genes: GIGYF2 (GRB10 interacting GYF protein 2; plus strand), KCNJ13 (potassium inwardly rectifying channel subfamily J member 13; minus strand). Cytogenetic location: 2q37.1.
Variant type: single nucleotide variant.
Coding change: c.913C>T on transcript NM_002242.4 (MANE Select); coding-DNA position 913, C replaced by T.
Protein change: p.Arg305Ter; replaces arginine 305 with a stop codon.
Molecular consequence: nonsense. On other transcripts: 3 prime UTR variant (1), intron variant (4).
Genome position (GRCh38, 1-based): chr2:232,768,361, G>A on the plus strand (C>T on the coding strand, the complement: KCNJ13 is on the minus strand). VCF-style: chr2-232768361-G-A. GRCh37 (hg19) VCF-style: chr2-233633071-G-A.
Other names: c.*392C>T (NM_001172416.1); c.673C>T, p.Arg225Ter (NM_001172417.1); c.532+6925G>A (NM_001103146.3, NM_015575.4, NM_001103147.2 and 1 more transcripts); short protein forms R225*, R305*.
Identifiers: ClinVar variation 1010073 (VCV001010073.9), dbSNP rs1699065038, ClinGen allele CA351008023.
Genomic context (GRCh38, chr2:232,768,361, plus strand): 5'-ATTCAGGGACAGTCTTGTCAAAATTCTCCATCTTGATTTGATATTCACCTTTGGAACCTC[G>A]GGTCAACAGAGATGCAAAACAGTGATGTAACATGATTTCAGACGGTAGGTAGGATGTCCT-3'

ClinVar aggregate classification (germline): Conflicting classifications of pathogenicity. Review status: criteria provided, conflicting classifications (1 of 4 stars). 2 submissions from 2 submitters: Likely pathogenic (1); Uncertain significance (1). Last evaluated 2023-12-27.

Conditions:
Snowflake vitreoretinal degeneration (SVD). Identifiers: Orphanet 91496, MedGen C1860405, MONDO:0008663, OMIM 193230, HP:0011533.

gnomAD v4.1: 6 of 1,614,084 alleles (0.00037%); highest among the groups gnomAD compares: Non-Finnish European, 0.00034%; no homozygotes.

Submissions (2):

3billion
Classification: Likely pathogenic for Snowflake vitreoretinal degeneration. Last evaluated: 2023-12-27. Review status: criteria provided, single submitter. Criteria: ACMG Guidelines, 2015. Collection method: clinical testing. Allele origin: germline. Affected: yes.
Comment: The variant is not observed in the gnomAD v2.1.1 dataset. Predicted Consequence/Location: Stop-gained (nonsense): predicted to result in a loss or disruption of normal protein function through protein truncation. The predicted truncated protein may be shortened by more than 10%. Therefore, this variant is classified as Likely pathogenic according to the recommendation of ACMG/AMP guideline.

Labcorp Genetics (formerly Invitae), Labcorp
Classification: Uncertain significance. Last evaluated: 2023-11-12. Review status: criteria provided, single submitter. Criteria: Invitae Variant Classification Sherloc (09022015). Collection method: clinical testing. Allele origin: germline.
Comment: This sequence change creates a premature translational stop signal (p.Arg305*) in the KCNJ13 gene. While this is not anticipated to result in nonsense mediated decay, it is expected to disrupt the last 56 amino acid(s) of the KCNJ13 protein. This variant is not present in population databases (gnomAD no frequency). This premature translational stop signal has been observed in individual(s) with clinical features of KCNJ13-related conditions (Invitae). ClinVar contains an entry for this variant (Variation ID: 1010073). In summary, the available evidence is currently insufficient to determine the role of this variant in disease. Therefore, it has been classified as a Variant of Uncertain Significance.